The following is an entry in ClinVar:

NM_000179.3(MSH6):c.836G>T (p.Ser279Ile)

Gene: MSH6 (mutS homolog 6; plus strand). Cytogenetic location: 2p16.3.
Variant type: single nucleotide variant.
Coding change: c.836G>T on transcript NM_000179.3 (MANE Select); coding-DNA position 836, G replaced by T.
Protein change: p.Ser279Ile; replaces serine 279 with isoleucine.
Molecular consequence: missense variant. On other transcripts: 5 prime UTR variant (2).
Genome position (GRCh38, 1-based): chr2:47,798,819, G>T. VCF-style: chr2-47798819-G-T. GRCh37 (hg19) VCF-style: chr2-48025958-G-T.
Other names: c.446G>T, p.Ser149Ile (NM_001281492.2); c.-71G>T (NM_001281493.2, NM_001281494.2); short protein forms S149I, S279I.
Identifiers: ClinVar variation 836668 (VCV000836668.10), dbSNP rs876661292, ClinGen allele CA346740492.

ClinVar aggregate classification (germline): Uncertain significance (1 of 4 stars; one submission).

Conditions:
Hereditary nonpolyposis colorectal neoplasms. Identifiers: MedGen C0009405, MeSH D003123.

Submission:

Labcorp Genetics (formerly Invitae), Labcorp
Classification: Uncertain significance for Hereditary nonpolyposis colorectal neoplasms. Last evaluated: 2020-09-01. Review status: criteria provided, single submitter. Criteria: Invitae Variant Classification Sherloc (09022015). Collection method: clinical testing. Allele origin: germline.
Comment: In summary, the available evidence is currently insufficient to determine the role of this variant in disease. Therefore, it has been classified as a Variant of Uncertain Significance. Algorithms developed to predict the effect of missense changes on protein structure and function (SIFT, PolyPhen-2, Align-GVGD) all suggest that this variant is likely to be disruptive, but these predictions have not been confirmed by published functional studies and their clinical significance is uncertain. This variant has not been reported in the literature in individuals with MSH6-related conditions. This variant is not present in population databases (ExAC no frequency). This sequence change replaces serine with isoleucine at codon 279 of the MSH6 protein (p.Ser279Ile). The serine residue is highly conserved and there is a large physicochemical difference between serine and isoleucine.